The following is an entry in ClinVar:

NM_001009944.3(PKD1):c.6448del (p.Glu2150fs)

Gene: PKD1 (polycystin 1, transient receptor potential channel interacting; minus strand). Cytogenetic location: 16p13.3.
Variant type: Deletion.
Coding change: c.6448del on transcript NM_001009944.3 (MANE Select); coding-DNA position 6448, one base deleted (G; older notation c.6448delG).
Protein change: p.Glu2150fs; shifts the reading frame from glutamic acid 2150.
Molecular consequence: frameshift variant.
Genome position (GRCh38, 1-based): chr16:2,108,719, C deleted on the plus strand (G on the coding strand, the reverse complement: PKD1 is on the minus strand); the first of 2 consecutive C bases (chr16:2,108,719-2,108,720); deleting either gives the same sequence. VCF-style (leftmost placement, unchanged base first): chr16-2108718-TC-T. GRCh37 (hg19) VCF-style: chr16-2158719-TC-T.
Other names: c.6448del, p.Glu2150fs (NM_000296.4); short protein forms E2150fs.
Identifiers: ClinVar variation 5038065 (VCV005038065.1).

ClinVar aggregate classification (germline): Pathogenic (1 of 4 stars; one submission).

Conditions:
Polycystic kidney disease, adult type (PKD1). Also called: Polycystic Kidney Disease 1, Autosomal Dominant; POLYCYSTIC KIDNEY DISEASE, ADULT, TYPE I; Polycystic kidney disease 1; Polycystic kidney disease 1, severe; POLYCYSTIC KIDNEY DISEASE 1 WITH OR WITHOUT POLYCYSTIC LIVER DISEASE; Polycystic Kidney, Autosomal Dominant. Identifiers: MedGen C3149841, MONDO:0008263, OMIM 173900.

Submission:

MVZ Medizinische Genetik Mainz
Classification: Pathogenic for Polycystic kidney disease, adult type. Last evaluated: 2026-08-25. Review status: criteria provided, single submitter. Criteria: UK Practice Guidelines For Variant Classification V4 01 2020. Collection method: clinical testing. Allele origin: germline. Inheritance: Autosomal dominant inheritance. Affected: yes. Observed: 1 variant allele.
Comment: ACMG Criteria: PVS1,PM2_SUP,PP4